The following is an entry in ClinVar:

NM_004963.4(GUCY2C):c.2875+10G>T

Genes: GUCY2C (guanylate cyclase 2C; minus strand), PLBD1-AS1 (PLBD1 antisense RNA 1; plus strand). Cytogenetic location: 12p12.3.
Variant type: single nucleotide variant.
Coding change: c.2875+10G>T on transcript NM_004963.4 (MANE Select); 10 bases into the intron after coding-DNA position 2875, G replaced by T.
Molecular consequence: intron variant. On other transcripts: non-coding transcript variant (1).
Genome position (GRCh38, 1-based): chr12:14,619,201, C>A on the plus strand (G>T on the coding strand, the complement: GUCY2C is on the minus strand). VCF-style: chr12-14619201-C-A. GRCh37 (hg19) VCF-style: chr12-14772135-C-A.
Identifiers: ClinVar variation 3681556 (VCV003681556.2).
Genomic context (GRCh38, chr12:14,619,201, plus strand): 5'-TTATCTCACAGTTGCCCTCTGCTGGAAAACAGCATCTTTGTCCTCTGAGAAAAACAGTCT[C>A]CCTTCTTACGGAGGCCAGTGGATTCCATCCTAGAGGCTGTGTTGACCGTATCTCCAAATA-3'

ClinVar aggregate classification (germline): Uncertain significance (1 of 4 stars; one submission).

Submission:

Labcorp Genetics (formerly Invitae), Labcorp
Classification: Uncertain significance. Last evaluated: 2024-06-17. Review status: criteria provided, single submitter. Criteria: Invitae Variant Classification Sherloc (09022015). Collection method: clinical testing. Allele origin: germline.
Comment: This sequence change falls in intron 24 of the GUCY2C gene. It does not directly change the encoded amino acid sequence of the GUCY2C protein. This variant is not present in population databases (gnomAD no frequency). This variant has not been reported in the literature in individuals affected with GUCY2C-related conditions. Algorithms developed to predict the effect of sequence changes on RNA splicing suggest that this variant may disrupt the consensus splice site. In summary, the available evidence is currently insufficient to determine the role of this variant in disease. Therefore, it has been classified as a Variant of Uncertain Significance.